The following is an entry in ClinVar:

NM_016148.5(SHANK1):c.5471C>T (p.Pro1824Leu)

Gene: SHANK1 (SH3 and multiple ankyrin repeat domains 1; minus strand). Cytogenetic location: 19q13.33.
Variant type: single nucleotide variant.
Coding change: c.5471C>T on transcript NM_016148.5 (MANE Select); coding-DNA position 5471, C replaced by T.
Protein change: p.Pro1824Leu; replaces proline 1824 with leucine.
Molecular consequence: missense variant.
Genome position (GRCh38, 1-based): chr19:50,666,489, G>A on the plus strand (C>T on the coding strand, the complement: SHANK1 is on the minus strand). VCF-style: chr19-50666489-G-A. GRCh37 (hg19) VCF-style: chr19-51169746-G-A.
Other names: short protein forms P1824L.
Identifiers: ClinVar variation 931661 (VCV000931661.3), dbSNP rs755137324, ClinGen allele CA9601026.

ClinVar aggregate classification (germline): Uncertain significance (1 of 4 stars; one submission).

Allele frequency attached by ClinVar (database versions not stated): TOPMed 0.00002; gnomAD 0.00001; ExAC 0.00002.
gnomAD v4.1: 37 of 1,596,550 alleles (0.0023%); highest among the groups gnomAD compares: African/African-American, 0.004%; 1 homozygote.

Submission:

Centre for Mendelian Genomics, University Medical Centre Ljubljana
Classification: Uncertain significance. Last evaluated: 2020-01-14. Review status: criteria provided, single submitter. Criteria: ACMG Guidelines, 2015. Collection method: clinical testing. Allele origin: unknown. Affected: yes.
Comment: This variant was classified as: Uncertain significance. The available evidence on this variant's pathogenicity is insufficient or conflicting. The following ACMG criteria were applied in classifying this variant: No criteria apply.